The following is an entry in ClinVar:

NM_000051.4(ATM):c.8414del (p.Met2805fs)

Genes: ATM (ATM serine/threonine kinase; plus strand), C11orf65 (chromosome 11 open reading frame 65; minus strand). Cytogenetic location: 11q22.3.
Variant type: Deletion.
Coding change: c.8414del on transcript NM_000051.4 (MANE Select); coding-DNA position 8414, one base deleted (T; older notation c.8414delT).
Protein change: p.Met2805fs; shifts the reading frame from methionine 2805.
Molecular consequence: frameshift variant. On other transcripts: intron variant (2).
Genome position (GRCh38, 1-based): chr11:108,343,367, T deleted. VCF-style (leftmost placement, unchanged base first): chr11-108343366-AT-A. GRCh37 (hg19) VCF-style: chr11-108214093-AT-A.
Other names: c.8414delT, p.Met2805Argfs (NM_000051.3); c.8414del, p.Met2805fs (NM_001351834.2); c.641-34296del (NM_001330368.2); c.695-8075del (NM_001351110.2); short protein forms M2805fs.
Identifiers: ClinVar variation 941891 (VCV000941891.8), dbSNP rs2087842345, ClinGen allele CA1139662197.

ClinVar aggregate classification (germline): Pathogenic. Review status: criteria provided, multiple submitters, no conflicts (2 of 4 stars). 2 submissions from 2 submitters: Pathogenic (2). Last evaluated 2025-12-03.

Conditions:
Hereditary cancer-predisposing syndrome. Also called: Tumor predisposition; Neoplastic Syndromes, Hereditary; Hereditary neoplastic syndrome; Hereditary Cancer Syndrome. Identifiers: Orphanet 140162, MedGen C0027672, MeSH D009386, MONDO:0015356.
Ataxia-telangiectasia syndrome (AT). Also called: Ataxia-telangiectasia, complementation group D; AT, COMPLEMENTATION GROUP C; ATAXIA-TELANGIECTASIA, COMPLEMENTATION GROUP A; ATAXIA-TELANGIECTASIA, FRESNO VARIANT; Ataxia-telangiectasia; Ataxia telangiectasia (A-T). Identifiers: Orphanet 100, MedGen C0004135, MONDO:0008840, OMIM 208900.

Submissions (2):

Ambry Genetics
Classification: Pathogenic for Hereditary cancer-predisposing syndrome. Last evaluated: 2025-12-03. Review status: criteria provided, single submitter. Criteria: Ambry Variant Classification Scheme 2023. Collection method: clinical testing. Allele origin: germline.
Comment: The c.8414delT pathogenic mutation, located in coding exon 56 of the ATM gene, results from a deletion of one nucleotide at nucleotide position 8414, causing a translational frameshift with a predicted alternate stop codon (p.M2805Rfs*52). This variant is considered to be rare based on population cohorts in the Genome Aggregation Database (gnomAD). This alteration is expected to result in loss of function by premature protein truncation or nonsense-mediated mRNA decay. As such, this alteration is interpreted as a disease-causing mutation.

Labcorp Genetics (formerly Invitae), Labcorp
Classification: Pathogenic for Ataxia-telangiectasia syndrome. Last evaluated: 2019-06-13. Review status: criteria provided, single submitter. Criteria: Invitae Variant Classification Sherloc (09022015). Collection method: clinical testing. Allele origin: germline.
Comment: For these reasons, this variant has been classified as Pathogenic. Loss-of-function variants in ATM are known to be pathogenic (PMID: 23807571, 25614872). This variant has not been reported in the literature in individuals with ATM-related conditions. This variant is not present in population databases (ExAC no frequency). This sequence change creates a premature translational stop signal (p.Met2805Argfs*52) in the ATM gene. It is expected to result in an absent or disrupted protein product.

Literature cited by the submitters: PubMed 23807571 (cited by Labcorp Genetics (formerly Invitae), Labcorp); PubMed 25614872 (cited by Labcorp Genetics (formerly Invitae), Labcorp).